The following is an entry in ClinVar:

NM_001283009.2(RTEL1):c.3392C>T (p.Thr1131Met)

Genes: RTEL1 (regulator of telomere elongation helicase 1; plus strand), RTEL1-TNFRSF6B (RTEL1-TNFRSF6B readthrough (NMD candidate); plus strand). Cytogenetic location: 20q13.33.
Variant type: single nucleotide variant.
Coding change: c.3392C>T on transcript NM_001283009.2 (MANE Select); coding-DNA position 3392, C replaced by T.
Protein change: p.Thr1131Met; replaces threonine 1131 with methionine.
Molecular consequence: missense variant. On other transcripts: non-coding transcript variant (1).
Genome position (GRCh38, 1-based): chr20:63,695,114, C>T. VCF-style: chr20-63695114-C-T. GRCh37 (hg19) VCF-style: chr20-62326467-C-T.
Other names: c.2723C>T, p.Thr908Met (NM_001283010.1); c.3392C>T, p.Thr1131Met (NM_016434.4); c.3464C>T, p.Thr1155Met (NM_032957.5); short protein forms T1155M, T1131M, T908M.
Identifiers: ClinVar variation 656747 (VCV000656747.7), dbSNP rs372852392, ClinGen allele CA9966012.

ClinVar aggregate classification (germline): Uncertain significance. Review status: criteria provided, multiple submitters, no conflicts (2 of 4 stars). 4 submissions from 4 submitters: Uncertain significance (3). 1 of the submissions does not count toward it. Last evaluated 2026-01-22.

Conditions:
Dyskeratosis congenita. Identifiers: Orphanet 1775, MedGen C0265965, MONDO:0015780.
Dyskeratosis congenita, autosomal recessive 5 (DKCB5). Identifiers: MedGen C3554656, MONDO:0014076, OMIM 615190.
Pulmonary fibrosis and/or bone marrow failure, Telomere-related, 3. Also called: PULMONARY FIBROSIS AND/OR BONE MARROW FAILURE SYNDROME, TELOMERE-RELATED, 3. Identifiers: Orphanet 2032, MedGen C4225346, MONDO:0014613, OMIM 616373.
RTEL1-related disorder. Also called: RTEL1-related disorders; RTEL1-related condition.

Allele frequency attached by ClinVar (database versions not stated): gnomAD 0.00003 and 0.00004; TOPMed 0.00004; ESP Exome Variant Server 0.00008.
gnomAD v4.1: 56 of 1,612,284 alleles (0.0035%); highest among the groups gnomAD compares: Middle Eastern, 0.016%; no homozygotes.

Submissions (4):

Labcorp Genetics (formerly Invitae), Labcorp
Classification: Uncertain significance for Dyskeratosis congenita, autosomal recessive 5; Pulmonary fibrosis and/or bone marrow failure, Telomere-related, 3. Last evaluated: 2026-01-22. Review status: criteria provided, single submitter. Criteria: Invitae Variant Classification Sherloc (09022015). Collection method: clinical testing. Allele origin: germline.
Comment: This sequence change replaces threonine, which is neutral and polar, with methionine, which is neutral and non-polar, at codon 1131 of the RTEL1 protein (p.Thr1131Met). This variant is present in population databases (rs372852392, gnomAD 0.01%). This variant has not been reported in the literature in individuals affected with RTEL1-related conditions. ClinVar contains an entry for this variant (Variation ID: 656747). An algorithm developed to predict the effect of missense changes on protein structure and function outputs the following: PolyPhen-2: "Benign". The methionine amino acid residue is found in multiple mammalian species, which suggests that this missense change does not adversely affect protein function. In summary, the available evidence is currently insufficient to determine the role of this variant in disease. Therefore, it has been classified as a Variant of Uncertain Significance.

PreventionGenetics, part of Exact Sciences
Classification: Uncertain significance for RTEL1-related condition. Last evaluated: 2025-07-30. Review status: criteria provided, single submitter. Criteria: ACMG Guidelines, 2015. Collection method: clinical testing. Allele origin: germline.
Comment: The RTEL1 c.3464C>T variant is predicted to result in the amino acid substitution p.Thr1155Met. To our knowledge, this variant has not been reported in the literature. This variant is reported in 0.017% of alleles in individuals of Latino descent in gnomAD and is interpreted as uncertain significance in ClinVar (variation ID: 656747). At this time, the clinical significance of this variant is uncertain due to the absence of conclusive functional and genetic evidence.

GeneDx
Classification: Uncertain significance. Last evaluated: 2019-06-12. Review status: criteria provided, single submitter. Criteria: GeneDx Variant Classification Process June 2021. Collection method: clinical testing. Allele origin: germline. Affected: yes.
Comment: In silico analysis, which includes protein predictors and evolutionary conservation, supports that this variant does not alter protein structure/function; In silico analysis, which includes splice predictors and evolutionary conservation, suggests this variant may impact gene splicing. In the absence of RNA/functional studies, the actual effect of this sequence change is unknown.; This variant is associated with the following publications: (PMID: 28495916)

Natera, Inc.
Classification: Uncertain significance for Dyskeratosis congenita. Last evaluated: 2020-09-16. Review status: no assertion criteria provided. Collection method: clinical testing. Allele origin: germline. Not counted in ClinVar's aggregate classification.